The following is an entry in ClinVar:

NM_000548.5(TSC2):c.5170C>G (p.Gln1724Glu)

Gene: TSC2 (TSC complex subunit 2; plus strand). Cytogenetic location: 16p13.3.
Variant type: single nucleotide variant.
Coding change: c.5170C>G on transcript NM_000548.5 (MANE Select); coding-DNA position 5170, C replaced by G.
Protein change: p.Gln1724Glu; replaces glutamine 1724 with glutamic acid.
Molecular consequence: missense variant. On other transcripts: intron variant (1).
Genome position (GRCh38, 1-based): chr16:2,088,236, C>G. VCF-style: chr16-2088236-C-G. GRCh37 (hg19) VCF-style: chr16-2138237-C-G.
Other names: c.4969C>G, p.Gln1657Glu (NM_001077183.3); c.5101C>G, p.Gln1701Glu (NM_001114382.3); c.4861C>G, p.Gln1621Glu (NM_001318827.2); c.4825C>G, p.Gln1609Glu (NM_001318829.2); c.4438C>G, p.Gln1480Glu (NM_001318831.2); c.5002C>G, p.Gln1668Glu (NM_001318832.2); c.4972C>G, p.Gln1658Glu (NM_001363528.2); c.5038C>G, p.Gln1680Glu (NM_001370404.1); and 2 more; short protein forms Q1609E, Q1701E, Q1724E, Q1480E, Q1621E, Q1658E, Q1668E, Q1657E.
Identifiers: ClinVar variation 1395605 (VCV001395605.11), dbSNP rs45472701, ClinGen allele CA394313923.
Genomic context (GRCh38, chr16:2,088,236, plus strand): 5'-CAGGCCCAGGTGCCACCTGATAGTGAGCTCACCCCCTGCCTACGTCCCCAGATGGCCTCA[C>G]AGGTGCATCATAGCCGCTCCAACCCCACCGATATCTACCCCTCCAAGTGGATTGCCCGGC-3'
Protein context (NP_000539.2, residues 1714-1734): QMALHANMAS[Gln1724Glu]VHHSRSNPTD

ClinVar aggregate classification (germline): Uncertain significance. Review status: criteria provided, multiple submitters, no conflicts (2 of 4 stars). 2 submissions from 2 submitters: Uncertain significance (2). Last evaluated 2026-01-25.

Conditions:
Hereditary cancer-predisposing syndrome. Also called: Hereditary neoplastic syndrome; Neoplastic Syndromes, Hereditary; Hereditary Cancer Syndrome; Tumor predisposition. Identifiers: Orphanet 140162, MedGen C0027672, MeSH D009386, MONDO:0015356.
Tuberous sclerosis 2 (TSC2). Identifiers: Orphanet 805, MedGen C1860707, MONDO:0013199, OMIM 613254.

Submissions (2):

Labcorp Genetics (formerly Invitae), Labcorp
Classification: Uncertain significance for Tuberous sclerosis 2. Last evaluated: 2026-01-25. Review status: criteria provided, single submitter. Criteria: Invitae Variant Classification Sherloc (09022015). Collection method: clinical testing. Allele origin: germline.
Comment: This sequence change replaces glutamine, which is neutral and polar, with glutamic acid, which is acidic and polar, at codon 1724 of the TSC2 protein (p.Gln1724Glu). This variant is not present in population databases (gnomAD no frequency). This variant has not been reported in the literature in individuals affected with TSC2-related conditions. ClinVar contains an entry for this variant (Variation ID: 1395605). Invitae Evidence Modeling of protein sequence and biophysical properties (such as structural, functional, and spatial information, amino acid conservation, physicochemical variation, residue mobility, and thermodynamic stability) indicates that this missense variant is not expected to disrupt TSC2 protein function with a negative predictive value of 95%. In summary, the available evidence is currently insufficient to determine the role of this variant in disease. Therefore, it has been classified as a Variant of Uncertain Significance.

Ambry Genetics
Classification: Uncertain significance for Hereditary cancer-predisposing syndrome. Last evaluated: 2024-12-06. Review status: criteria provided, single submitter. Criteria: Ambry Variant Classification Scheme 2023. Collection method: clinical testing. Allele origin: germline.
Comment: The p.Q1724E variant (also known as c.5170C>G), located in coding exon 40 of the TSC2 gene, results from a C to G substitution at nucleotide position 5170. The glutamine at codon 1724 is replaced by glutamic acid, an amino acid with highly similar properties. This amino acid position is not well conserved in available vertebrate species. In addition, the in silico prediction for this alteration is inconclusive. Since supporting evidence is limited at this time, the clinical significance of this alteration remains unclear.